The following is an entry in ClinVar:

NM_000503.6(EYA1):c.1715G>A (p.Trp572Ter)

Gene: EYA1 (EYA transcriptional coactivator and phosphatase 1; minus strand). Cytogenetic location: 8q13.3.
Variant type: single nucleotide variant.
Coding change: c.1715G>A on transcript NM_000503.6 (MANE Select); coding-DNA position 1715, G replaced by A.
Protein change: p.Trp572Ter; replaces tryptophan 572 with a stop codon.
Molecular consequence: nonsense.
Genome position (GRCh38, 1-based): chr8:71,199,404, C>T on the plus strand (G>A on the coding strand, the complement: EYA1 is on the minus strand). VCF-style: chr8-71199404-C-T. GRCh37 (hg19) VCF-style: chr8-72111639-C-T.
Other names: c.1697G>A, p.Trp566Ter (NM_001288574.2, NM_172059.5); c.1349G>A, p.Trp450Ter (NM_001288575.2); c.1802G>A, p.Trp601Ter (NM_001370333.1); c.1715G>A, p.Trp572Ter (NM_001370334.1, NM_001370335.1, NM_172058.4); c.1694G>A, p.Trp565Ter (NM_001370336.1); c.1616G>A, p.Trp539Ter (NM_001411797.1, NM_172060.4); c.1715G>A (NM_172058.3); short protein forms W450*, W539*, W565*, W566*, W572*, W601*.
Identifiers: ClinVar variation 3601106 (VCV003601106.2).

ClinVar aggregate classification (germline): Pathogenic. Review status: criteria provided, multiple submitters, no conflicts (2 of 4 stars). 2 submissions from 2 submitters: Pathogenic (2). Last evaluated 2026-03-10.

Conditions:
EYA1-related disorder. Also called: EYA1-related condition.
Branchiootorenal syndrome 1. Also called: Branchio-Oto-Renal Syndrome 1. Identifiers: Orphanet 107, MedGen C4551702, MONDO:0007236, OMIM 113650.

Submissions (2):

PreventionGenetics, part of Exact Sciences
Classification: Pathogenic for EYA1-related condition. Last evaluated: 2026-03-10. Review status: criteria provided, single submitter. Criteria: ACMG Guidelines, 2015. Collection method: clinical testing. Allele origin: germline.
Comment: The EYA1 c.1715G>A variant is predicted to result in premature protein termination (p.Trp572*). To our knowledge, this specific nucleotide change has not been been previously reported in the literature, but an alternative variant that results in the same nonsense variant (c.1716G>A, p.Trp572*) has been reported in an individual with branchiootorenal syndrome (Oza et al. 2018. PubMed ID: 30311386). This variant has not been reported in a large population database (gnomAD), indicating this variant is rare. Nonsense variants in EYA1 are expected to be pathogenic. This variant is interpreted as pathogenic.

Institute of Rare Diseases, West China Hospital, Sichuan University
Classification: Pathogenic for Branchiootorenal syndrome 1. Last evaluated: 2025-01-09. Review status: criteria provided, single submitter. Criteria: ClinGen HL ACMG Specifications v1. Collection method: research. Allele origin: germline. Affected: yes.
Comment: PVS1;PS2;PM2_Supporting